The following is an entry in ClinVar:

NM_001135254.2(PAX7):c.166C>T (p.Arg56Cys)

Gene: PAX7 (paired box 7; plus strand). Cytogenetic location: 1p36.13.
Variant type: single nucleotide variant.
Coding change: c.166C>T on transcript NM_001135254.2 (MANE Select); coding-DNA position 166, C replaced by T.
Protein change: p.Arg56Cys; replaces arginine 56 with cysteine.
Molecular consequence: missense variant.
Genome position (GRCh38, 1-based): chr1:18,634,383, C>T. VCF-style: chr1-18634383-C-T. GRCh37 (hg19) VCF-style: chr1-18960877-C-T.
Other names: c.166C>T, p.Arg56Cys (NM_002584.3, NM_013945.3); short protein forms R56C.
Identifiers: ClinVar variation 689509 (VCV000689509.5), dbSNP rs1392068839, ClinGen allele CA338290085.
Genomic context (GRCh38, chr1:18,634,383, plus strand): 5'-GGCCGGGTCAATCAGCTGGGAGGGGTCTTCATCAATGGGCGACCCCTGCCTAACCACATC[C>T]GCCACAAGATAGTGGAGATGGCCCACCATGGCATCCGGCCCTGTGTCATCTCCCGACAGC-3'
Protein context (NP_001128726.1, residues 46-66): INGRPLPNHI[Arg56Cys]HKIVEMAHHG

ClinVar aggregate classification (germline): Uncertain significance. Review status: criteria provided, single submitter (1 of 4 stars). 2 submissions from 2 submitters: Uncertain significance (1). 1 of the submissions does not count toward it. Last evaluated 2025-11-03.

Conditions:
Myopathy, congenital, progressive, with scoliosis. Also called: CONGENITAL MYOPATHY 19. Identifiers: MedGen C5231417, MONDO:0032821, OMIM 618578.

Allele frequency attached by ClinVar (database versions not stated): gnomAD exomes below 0.00001; gnomAD 0.00001; TOPMed 0.00001.
gnomAD v4.1: 3 of 1,614,044 alleles (0.00019%); highest among the groups gnomAD compares: African/African-American, 0.0013%; no homozygotes.

Submissions (2):

Dasa
Classification: Uncertain significance. Last evaluated: 2025-11-03. Review status: criteria provided, single submitter. Criteria: DASA Assertion Criteria. Collection method: clinical testing. Allele origin: germline.
Comment: NM_001135254.2(PAX7):c.166C>T (p.Arg56Cys) is a missense variant that results in the substitution of arginine with cysteine. This variant has been reported in individuals with PAX7-related disorders (PMID: 31092906). Also, this variant is rare in population databases. Computational prediction algorithms are consistent with a deleterious effect. The currently available literature and clinical evidence are not sufficient to establish a definitive association between this variant and the reported condition. Therefore, this variant is classified as a variant of uncertain significance.

OMIM
Classification: Pathogenic for CONGENITAL MYOPATHY 19. Last evaluated: 2024-07-16. Review status: no assertion criteria provided. Collection method: literature only. Allele origin: germline. Not counted in ClinVar's aggregate classification.

Literature cited by the submitters: PubMed 31092906 (cited by Dasa and OMIM).